The following is an entry in ClinVar:

ClinVar aggregate classification (germline): Uncertain significance. Review status: criteria provided, multiple submitters, no conflicts (2 of 4 stars). 6 submissions from 6 submitters: Uncertain significance (6). Last evaluated 2026-02-09.

Conditions:
Aneurysm-osteoarthritis syndrome. Also called: SMAD3-Related Loeys-Dietz Syndrome; ANEURYSMS-OSTEOARTHRITIS SYNDROME; LOEYS-DIETZ SYNDROME WITH OSTEOARTHRITIS; Loeys-Dietz syndrome, type 1C. Identifiers: Orphanet 284984, MedGen C3151087, MONDO:0013426, OMIM 613795.
Familial thoracic aortic aneurysm and aortic dissection (TAAD). Also called: Thoracic aortic aneurysms and dissections. Identifiers: Orphanet 91387, MedGen C4707243, MONDO:0019625.

Allele frequency attached by ClinVar (database versions not stated): ExAC 0.00001; gnomAD exomes 0.00001; gnomAD 0.00004 and 0.00005; TOPMed 0.00011; 1000 Genomes Project 0.00020; 1000 Genomes Project 30x 0.00031.
gnomAD v4.1: 16 of 1,613,550 alleles (0.00099%); highest among the groups gnomAD compares: Admixed American, 0.015%; no homozygotes.

Submissions (6):

Women's Health and Genetics/Laboratory Corporation of America, LabCorp
Classification: Uncertain significance. Last evaluated: 2026-02-09. Review status: criteria provided, single submitter. Criteria: LabCorp Variant Classification Summary - May 2015. Collection method: clinical testing. Allele origin: germline.
Comment: Variant summary: SMAD3 c.74G>T (p.Gly25Val) results in a non-conservative amino acid change located in the MAD homology, MH1 domain (IPR013019) of the encoded protein sequence. Algorithms developed to predict the effect of missense changes on protein structure and function are either unavailable or do not agree on the potential impact of this missense change. The variant allele was found at a frequency of 8e-06 in 248964 control chromosomes. The available data on variant occurrences in the general population are insufficient to allow any conclusion about variant significance. To our knowledge, no occurrence of c.74G>T in individuals affected with SMAD3-related conditions and no experimental evidence demonstrating its impact on protein function have been reported. ClinVar contains an entry for this variant (Variation ID: 477578). Based on the evidence outlined above, the variant was classified as uncertain significance.

Labcorp Genetics (formerly Invitae), Labcorp
Classification: Uncertain significance for Familial thoracic aortic aneurysm and aortic dissection. Last evaluated: 2025-09-10. Review status: criteria provided, single submitter. Criteria: Invitae Variant Classification Sherloc (09022015). Collection method: clinical testing. Allele origin: germline.
Comment: This sequence change replaces glycine, which is neutral and non-polar, with valine, which is neutral and non-polar, at codon 25 of the SMAD3 protein (p.Gly25Val). This variant is present in population databases (rs191612061, gnomAD 0.006%). This variant has not been reported in the literature in individuals affected with SMAD3-related conditions. ClinVar contains an entry for this variant (Variation ID: 477578). Invitae Evidence Modeling incorporating data from in vitro experimental studies (internal data) indicates that this missense variant is expected to disrupt SMAD3 function with a positive predictive value of 95%. In summary, the available evidence is currently insufficient to determine the role of this variant in disease. Therefore, it has been classified as a Variant of Uncertain Significance.

All of Us Research Program, National Institutes of Health
Classification: Uncertain significance for Aneurysm-osteoarthritis syndrome. Last evaluated: 2024-06-09. Review status: criteria provided, single submitter. Criteria: ACMG Guidelines, 2015. Collection method: clinical testing. Allele origin: germline. Inheritance: Autosomal dominant inheritance. Observed: 10 variant alleles, 10 heterozygotes.
Comment: This missense variant replaces glycine with valine at codon 25 of the SMAD3 protein. Computational prediction suggests that this variant may not impact protein structure and function (internally defined REVEL score threshold <= 0.5, PMID: 27666373). To our knowledge, functional studies have not been reported for this variant. This variant has not been reported in individuals affected with cardiovascular disorders in the literature. This variant has been identified in 2/248964 chromosomes in the general population by the Genome Aggregation Database (gnomAD). The available evidence is insufficient to determine the role of this variant in disease conclusively. Therefore, this variant is classified as a Variant of Uncertain Significance.

This study involves interpretation of variants in research participants for the purpose of population health screening. Participant phenotype was not available at the time of variant classification. Additional details can be found in publication PMID: 35346344, PMCID: PMC8962531

Color Diagnostics, LLC DBA Color Health
Classification: Uncertain significance for Familial thoracic aortic aneurysm and aortic dissection. Last evaluated: 2024-05-28. Review status: criteria provided, single submitter. Criteria: ACMG Guidelines, 2015. Collection method: clinical testing. Allele origin: germline.
Comment: This missense variant replaces glycine with valine at codon 25 of the SMAD3 protein. Computational prediction tools indicate that this variant has a neutral impact on protein structure and function. To our knowledge, functional studies have not been reported for this variant. This variant has not been reported in individuals affected with SMAD3-related disorders in the literature. This variant has been identified in 2/248964 chromosomes in the general population by the Genome Aggregation Database (gnomAD). The available evidence is insufficient to determine the role of this variant in disease conclusively. Therefore, this variant is classified as a Variant of Uncertain Significance.

Ambry Genetics
Classification: Uncertain significance for Familial thoracic aortic aneurysm and aortic dissection. Last evaluated: 2023-08-29. Review status: criteria provided, single submitter. Criteria: Ambry Variant Classification Scheme 2023. Collection method: clinical testing. Allele origin: germline.
Comment: The p.G25V variant (also known as c.74G>T), located in coding exon 1 of the SMAD3 gene, results from a G to T substitution at nucleotide position 74. The glycine at codon 25 is replaced by valine, an amino acid with dissimilar properties. This amino acid position is highly conserved in available vertebrate species. In addition, the in silico prediction for this alteration is inconclusive. Since supporting evidence is limited at this time, the clinical significance of this alteration remains unclear.

GeneDx
Classification: Uncertain significance. Last evaluated: 2023-07-18. Review status: criteria provided, single submitter. Criteria: GeneDx Variant Classification Process June 2021. Collection method: clinical testing. Allele origin: germline. Affected: yes.
Comment: Not observed at significant frequency in large population cohorts (gnomAD); In silico analysis supports that this missense variant does not alter protein structure/function; Has not been previously published as pathogenic or benign to our knowledge

NM_005902.4(SMAD3):c.74G>T (p.Gly25Val)

Gene: SMAD3 (SMAD family member 3; plus strand). Cytogenetic location: 15q22.33.
Variant type: single nucleotide variant.
Coding change: c.74G>T on transcript NM_005902.4 (MANE Select); coding-DNA position 74, G replaced by T.
Protein change: p.Gly25Val; replaces glycine 25 with valine.
Molecular consequence: missense variant.
Genome position (GRCh38, 1-based): chr15:67,066,228, G>T. VCF-style: chr15-67066228-G-T. GRCh37 (hg19) VCF-style: chr15-67358566-G-T.
Other names: short protein forms G25V.
Identifiers: ClinVar variation 477578 (VCV000477578.22), dbSNP rs191612061, ClinGen allele CA062652.